The following is an entry in ClinVar:

ClinVar aggregate classification (germline): Uncertain significance. Review status: criteria provided, multiple submitters, no conflicts (2 of 4 stars). 2 submissions from 2 submitters: Uncertain significance (2). Last evaluated 2025-04-06.

Conditions:
Specific granule deficiency. Identifiers: Orphanet 169142, MedGen C0398593, MONDO:0009506.
Inborn genetic diseases. Identifiers: MedGen C0950123, MeSH D030342.

Allele frequency attached by ClinVar (database versions not stated): TOPMed 0.00019; 1000 Genomes Project 0.00020; 1000 Genomes Project 30x 0.00047; gnomAD 0.00015; ExAC 0.00012.
gnomAD v4.1: 101 of 1,613,404 alleles (0.0063%); highest among the groups gnomAD compares: African/African-American, 0.055%; 1 homozygote.

Submissions (2):

Ambry Genetics
Classification: Uncertain significance for Inborn genetic diseases. Last evaluated: 2025-04-06. Review status: criteria provided, single submitter. Criteria: Ambry Variant Classification Scheme 2023. Collection method: clinical testing. Allele origin: germline.

Labcorp Genetics (formerly Invitae), Labcorp
Classification: Uncertain significance for Specific granule deficiency. Last evaluated: 2024-10-21. Review status: criteria provided, single submitter. Criteria: Invitae Variant Classification Sherloc (09022015). Collection method: clinical testing. Allele origin: germline.
Comment: This sequence change replaces arginine, which is basic and polar, with glutamine, which is neutral and polar, at codon 125 of the CEBPE protein (p.Arg125Gln). This variant is present in population databases (rs61737804, gnomAD 0.07%), including at least one homozygous and/or hemizygous individual. This variant has not been reported in the literature in individuals affected with CEBPE-related conditions. ClinVar contains an entry for this variant (Variation ID: 1420162). An algorithm developed to predict the effect of missense changes on protein structure and function (PolyPhen-2) suggests that this variant is likely to be disruptive. In summary, the available evidence is currently insufficient to determine the role of this variant in disease. Therefore, it has been classified as a Variant of Uncertain Significance.

NM_001805.4(CEBPE):c.374G>A (p.Arg125Gln)

Gene: CEBPE (CCAAT enhancer binding protein epsilon; minus strand). Cytogenetic location: 14q11.2.
Variant type: single nucleotide variant.
Coding change: c.374G>A on transcript NM_001805.4 (MANE Select); coding-DNA position 374, G replaced by A.
Protein change: p.Arg125Gln; replaces arginine 125 with glutamine.
Molecular consequence: missense variant.
Genome position (GRCh38, 1-based): chr14:23,118,718, C>T on the plus strand (G>A on the coding strand, the complement: CEBPE is on the minus strand). VCF-style: chr14-23118718-C-T. GRCh37 (hg19) VCF-style: chr14-23587927-C-T.
Other names: c.374G>A (NM_001805.2); short protein forms R125Q.
Identifiers: ClinVar variation 1420162 (VCV001420162.7), dbSNP rs61737804, ClinGen allele CA7111224.